The following is an entry in ClinVar:

NM_000400.4(ERCC2):c.975G>A (p.Thr325=)

Gene: ERCC2 (ERCC excision repair 2, TFIIH core complex helicase subunit; minus strand). Cytogenetic location: 19q13.32.
Variant type: single nucleotide variant.
Coding change: c.975G>A on transcript NM_000400.4 (MANE Select); coding-DNA position 975, G replaced by A.
Protein change: p.Thr325=; no amino-acid change (threonine 325 retained).
Molecular consequence: synonymous variant.
Genome position (GRCh38, 1-based): chr19:45,363,886, C>T on the plus strand (G>A on the coding strand, the complement: ERCC2 is on the minus strand). VCF-style: chr19-45363886-C-T. GRCh37 (hg19) VCF-style: chr19-45867144-C-T.
Other names: c.903G>A, p.Thr301= (NM_001130867.2).
Identifiers: ClinVar variation 2187586 (VCV002187586.1), dbSNP rs758495395, ClinGen allele CA9513555.

ClinVar aggregate classification (germline): Uncertain significance (1 of 4 stars; one submission).

gnomAD v4.1: 6 of 1,549,798 alleles (0.00039%); highest among the groups gnomAD compares: Non-Finnish European, 0.00052%; no homozygotes.

Submission:

Labcorp Genetics (formerly Invitae), Labcorp
Classification: Uncertain significance. Last evaluated: 2022-08-19. Review status: criteria provided, single submitter. Criteria: Invitae Variant Classification Sherloc (09022015). Collection method: clinical testing. Allele origin: germline.
Comment: This sequence change affects codon 325 of the ERCC2 mRNA. It is a 'silent' change, meaning that it does not change the encoded amino acid sequence of the ERCC2 protein. This variant is not present in population databases (gnomAD no frequency). This variant has not been reported in the literature in individuals affected with ERCC2-related conditions. Algorithms developed to predict the effect of sequence changes on RNA splicing suggest that this variant may create or strengthen a splice site. In summary, the available evidence is currently insufficient to determine the role of this variant in disease. Therefore, it has been classified as a Variant of Uncertain Significance.